The following is an entry in ClinVar:

NM_000256.3(MYBPC3):c.821+6T>C

Gene: MYBPC3 (myosin binding protein C3; minus strand). Cytogenetic location: 11p11.2.
Variant type: single nucleotide variant.
Coding change: c.821+6T>C on transcript NM_000256.3 (MANE Select); 6 bases into the intron after coding-DNA position 821, T replaced by C.
Molecular consequence: intron variant.
Genome position (GRCh38, 1-based): chr11:47,347,851, A>G on the plus strand (T>C on the coding strand, the complement: MYBPC3 is on the minus strand). VCF-style: chr11-47347851-A-G. GRCh37 (hg19) VCF-style: chr11-47369402-A-G.
Identifiers: ClinVar variation 941727 (VCV000941727.10), dbSNP rs2095895947, ClinGen allele CA1139661939.

ClinVar aggregate classification (germline): Conflicting classifications of pathogenicity. Review status: criteria provided, conflicting classifications (1 of 4 stars). 4 submissions from 4 submitters: Likely pathogenic (1); Uncertain significance (3). Last evaluated 2026-08-13.

Conditions:
Hypertrophic cardiomyopathy. Also called: HYPERTROPHIC MYOCARDIOPATHY. Identifiers: Orphanet 217569, MedGen C0007194, MeSH D002312, MONDO:0005045, HP:0001639.
Hypertrophic cardiomyopathy 4. Also called: Familial hypertrophic cardiomyopathy 4. Identifiers: MedGen C1861862, MONDO:0007268, OMIM 115197.
Left ventricular noncompaction 10 (LVNC10). Identifiers: Orphanet 154, Orphanet 54260, MedGen C3715165, MONDO:0014163, OMIM 615396.
Cardiovascular phenotype. Identifiers: MedGen CN230736.

Allele frequency attached by ClinVar (database versions not stated): gnomAD exomes below 0.00001; TOPMed 0.00001.

Submissions (4):

Molecular Diagnostic Laboratory for Inherited Cardiovascular Disease, Montreal Heart Institute
Classification: Likely pathogenic for Cardiovascular phenotype. Last evaluated: 2026-08-13. Review status: criteria provided, single submitter. Criteria: ACMG Guidelines, 2015. Collection method: clinical testing. Allele origin: germline. Affected: yes.
Comment: PVS1, PM2

Labcorp Genetics (formerly Invitae), Labcorp
Classification: Uncertain significance for Hypertrophic cardiomyopathy. Last evaluated: 2025-12-09. Review status: criteria provided, single submitter. Criteria: Invitae Variant Classification Sherloc (09022015). Collection method: clinical testing. Allele origin: germline.
Comment: This sequence change falls in intron 7 of the MYBPC3 gene. It does not directly change the encoded amino acid sequence of the MYBPC3 protein. It affects a nucleotide within the consensus splice site. This variant is not present in population databases (gnomAD no frequency). This variant has not been reported in the literature in individuals affected with MYBPC3-related conditions. ClinVar contains an entry for this variant (Variation ID: 941727). Variants that disrupt the consensus splice site are a relatively common cause of aberrant splicing (PMID: 17576681, 9536098). Algorithms developed to predict the effect of sequence changes on RNA splicing suggest that this variant may disrupt the consensus splice site. In summary, the available evidence is currently insufficient to determine the role of this variant in disease. Therefore, it has been classified as a Variant of Uncertain Significance.

All of Us Research Program, National Institutes of Health
Classification: Uncertain significance for Hypertrophic cardiomyopathy. Last evaluated: 2024-02-22. Review status: criteria provided, single submitter. Criteria: ACMG Guidelines, 2015. Collection method: clinical testing. Allele origin: germline. Inheritance: Autosomal dominant inheritance. Observed: 1 variant allele, 1 heterozygote.
Comment: This variant causes a T to C nucleotide substitution at the +6 position of intron 7/34 of the MYBPC3 gene. Splice site prediction tools predict that this variant may have a significant impact on RNA splicing. This variant has not been reported in individuals affected with MYBPC3-related disorders in the literature. This variant has not been identified in the general population by the Genome Aggregation Database (gnomAD). The available evidence is insufficient to determine the role of this variant in disease conclusively. Therefore, this variant is classified as a Variant of Uncertain Significance.

This study involves interpretation of variants in research participants for the purpose of population health screening. Participant phenotype was not available at the time of variant classification. Additional details can be found in publication PMID: 35346344, PMCID: PMC8962531

Fulgent Genetics
Classification: Uncertain significance for Hypertrophic cardiomyopathy 4; Left ventricular noncompaction 10. Last evaluated: 2021-08-20. Review status: criteria provided, single submitter. Criteria: ACMG Guidelines, 2015. Collection method: clinical testing. Allele origin: unknown.

Literature cited by the submitters: PubMed 17576681 (cited by Labcorp Genetics (formerly Invitae), Labcorp); PubMed 9536098 (cited by Labcorp Genetics (formerly Invitae), Labcorp).